The following is an entry in ClinVar:

ClinVar aggregate classification (germline): Conflicting classifications of pathogenicity. Review status: criteria provided, conflicting classifications (1 of 4 stars). 3 submissions from 3 submitters: Likely pathogenic (1); Uncertain significance (1). 1 of the submissions does not count toward it. Last evaluated 2022-09-01.

Conditions:
Cole-Carpenter syndrome 2 (CLCRP2). Identifiers: Orphanet 2050, MedGen C4225382, MONDO:0014573, OMIM 616294.

Allele frequency attached by ClinVar (database versions not stated): ExAC 0.00005; gnomAD exomes 0.00005; gnomAD 0.00006 and 0.00007; TOPMed 0.00006; ESP Exome Variant Server 0.00023.

Submissions (3):

Labcorp Genetics (formerly Invitae), Labcorp
Classification: Uncertain significance. Last evaluated: 2022-09-01. Review status: criteria provided, single submitter. Criteria: Invitae Variant Classification Sherloc (09022015). Collection method: clinical testing. Allele origin: germline.
Comment: This sequence change replaces arginine, which is basic and polar, with histidine, which is basic and polar, at codon 313 of the SEC24D protein (p.Arg313His). This variant is present in population databases (rs148676365, gnomAD 0.02%). This missense change has been observed in individual(s) with SEC24D-related conditions (PMID: 27942778, 30462379). In at least one individual the data is consistent with being in trans (on the opposite chromosome) from a pathogenic variant. ClinVar contains an entry for this variant (Variation ID: 638182). Algorithms developed to predict the effect of missense changes on protein structure and function are either unavailable or do not agree on the potential impact of this missense change (SIFT: "Not Available"; PolyPhen-2: "Probably Damaging"; Align-GVGD: "Not Available"). In summary, the available evidence is currently insufficient to determine the role of this variant in disease. Therefore, it has been classified as a Variant of Uncertain Significance.

Juno Genomics, Hangzhou Juno Genomics, Inc
Classification: Likely pathogenic for Cole-Carpenter syndrome 2. Review status: criteria provided, single submitter. Criteria: ACMG Guidelines, 2015. Collection method: clinical testing. Allele origin: germline.
Comment: Absent from controls (or at extremely low frequency if recessive) in Genome Aggregation Database.;Multiple lines of computational evidence support a deleterious effect on the gene or gene product.;For recessive disorders, detected in trans with a pathogenic variant.;Patient's phenotype or family history is highly specific for a disease with a single genetic etiology.

OMIM
Classification: Pathogenic for COLE-CARPENTER SYNDROME 2. Last evaluated: 2019-07-27. Review status: no assertion criteria provided. Collection method: literature only. Allele origin: germline. Not counted in ClinVar's aggregate classification.

Literature cited by the submitters: PubMed 27942778 (cited by Labcorp Genetics (formerly Invitae), Labcorp and OMIM); PubMed 30462379 (cited by Labcorp Genetics (formerly Invitae), Labcorp and OMIM).

NM_014822.4(SEC24D):c.938G>A (p.Arg313His)

Gene: SEC24D (SEC24 homolog D, COPII component; minus strand). Cytogenetic location: 4q26.
Variant type: single nucleotide variant.
Coding change: c.938G>A on transcript NM_014822.4 (MANE Select); coding-DNA position 938, G replaced by A.
Protein change: p.Arg313His; replaces arginine 313 with histidine.
Molecular consequence: missense variant.
Genome position (GRCh38, 1-based): chr4:118,797,786, C>T on the plus strand (G>A on the coding strand, the complement: SEC24D is on the minus strand). VCF-style: chr4-118797786-C-T. GRCh37 (hg19) VCF-style: chr4-119718941-C-T.
Other names: c.941G>A, p.Arg314His (NM_001318066.2); short protein forms R313H, R314H.
Identifiers: ClinVar variation 638182 (VCV000638182.7), dbSNP rs148676365, ClinGen allele CA3057380.